The following is an entry in ClinVar:

NM_001033855.3(DCLRE1C):c.97C>T (p.His33Tyr)

Gene: DCLRE1C (DNA cross-link repair 1C; minus strand). Cytogenetic location: 10p13.
Variant type: single nucleotide variant.
Coding change: c.97C>T on transcript NM_001033855.3 (MANE Select); coding-DNA position 97, C replaced by T.
Protein change: p.His33Tyr; replaces histidine 33 with tyrosine.
Molecular consequence: missense variant. On other transcripts: 5 prime UTR variant (9), non-coding transcript variant (4).
Genome position (GRCh38, 1-based): chr10:14,953,914, G>A on the plus strand (C>T on the coding strand, the complement: DCLRE1C is on the minus strand). VCF-style: chr10-14953914-G-A. GRCh37 (hg19) VCF-style: chr10-14995913-G-A.
Other names: NM_001033855.3(DCLRE1C):c.97C>T; p.His33Tyr; c.-349C>T (NM_001033857.3, NM_001350967.2); c.-671C>T (NM_001033858.3); c.-108C>T (NM_001289076.2); c.-395C>T (NM_001289077.2); c.-141C>T (NM_001289078.2, NM_001350966.2); c.-717C>T (NM_001289079.2); and 2 more; short protein forms H33Y.
Identifiers: ClinVar variation 1041357 (VCV001041357.9), dbSNP rs1842826599, ClinGen allele CA376065632.

ClinVar aggregate classification (germline): Uncertain significance. Review status: reviewed by expert panel (3 of 4 stars). 2 submissions from 2 submitters: Uncertain significance (1). 1 of the submissions does not count toward it. Last evaluated 2024-03-08.

Conditions:
Severe combined immunodeficiency due to DCLRE1C deficiency (RS-SCID). Also called: SCID, AUTOSOMAL RECESSIVE, T CELL-NEGATIVE, B CELL-NEGATIVE, NK CELL-POSITIVE, WITH SENSITIVITY TO IONIZING RADIATION. Identifiers: Orphanet 275, MedGen C1865371, MONDO:0011225, OMIM 602450.

Allele frequency attached by ClinVar (database versions not stated): gnomAD exomes 0.00001.
gnomAD v4.1: 6 of 1,613,986 alleles (0.00037%); highest among the groups gnomAD compares: Non-Finnish European, 0.00051%; no homozygotes.

Submissions (2):

ClinGen Severe Combined Immunodeficiency Variant Curation Expert Panel, ClinGen
Classification: Uncertain significance for Severe combined immunodeficiency due to DCLRE1C deficiency. Last evaluated: 2024-03-08. Review status: reviewed by expert panel. Criteria: ClinGen SCID ACMG Specifications DCLRE1C V1.0.0. Collection method: curation. Allele origin: germline. Inheritance: Autosomal recessive inheritance.
Comment: The c.97C>T(NM_001033855.3) variant in DCLRE1C is a missense variant predicted to cause substitution of Histidine by Tyrosine at amino acid 33 (p.His33Tyr). The filtering allele frequency (the upper threshold of the 95% CI of 6/761902 alleles) of the c.97C>T variant in DCLRE1C is 0.000002830 for European (non-Finnish) chromosomes by gnomAD v4, which is lower than the ClinGen SCID VCEP threshold (<0.00003266) for PM2_Supporting, and therefore meets this criterion (PM2_Supporting). No homozygotes have been observed in gnomAD. To our knowledge, this variant has not been reported in the literature in individuals affected with DCLRE1C-related conditions or in functional studies. Due to insufficient evidence, this variant is classified as a variant of uncertain significance for autosomal recessive SCID based on ACMG/AMP criteria applied, as specified by the ClinGen SCID VCEP (specification version 1.0): PM2_Supporting.

Labcorp Genetics (formerly Invitae), Labcorp
Classification: Uncertain significance for Athabaskan severe combined immunodeficiency. Last evaluated: 2020-01-15. Review status: criteria provided, single submitter. Criteria: Invitae Variant Classification Sherloc (09022015). Collection method: clinical testing. Allele origin: germline. Not counted in ClinVar's aggregate classification.
Comment: In summary, the available evidence is currently insufficient to determine the role of this variant in disease. Therefore, it has been classified as a Variant of Uncertain Significance. Algorithms developed to predict the effect of missense changes on protein structure and function are either unavailable or do not agree on the potential impact of this missense change (SIFT: "Tolerated"; PolyPhen-2: "Probably Damaging"; Align-GVGD: "Class C0"). This variant has not been reported in the literature in individuals with DCLRE1C-related conditions. This variant is not present in population databases (ExAC no frequency). This sequence change replaces histidine with tyrosine at codon 33 of the DCLRE1C protein (p.His33Tyr). The histidine residue is highly conserved and there is a moderate physicochemical difference between histidine and tyrosine.